The following is an entry in ClinVar:

NM_000053.4(ATP7B):c.4141C>G (p.Leu1381Val)

Gene: ATP7B (ATPase copper transporting beta; minus strand). Cytogenetic location: 13q14.3.
Variant type: single nucleotide variant.
Coding change: c.4141C>G on transcript NM_000053.4 (MANE Select); coding-DNA position 4141, C replaced by G.
Protein change: p.Leu1381Val; replaces leucine 1381 with valine.
Molecular consequence: missense variant.
Genome position (GRCh38, 1-based): chr13:51,935,013, G>C on the plus strand (C>G on the coding strand, the complement: ATP7B is on the minus strand). VCF-style: chr13-51935013-G-C. GRCh37 (hg19) VCF-style: chr13-52509149-G-C.
Other names: c.3520C>G, p.Leu1174Val (NM_001005918.3); c.3808C>G, p.Leu1270Val (NM_001243182.2); c.3907C>G, p.Leu1303Val (NM_001330578.2, NM_001406527.1, NM_001406528.1); c.3889C>G, p.Leu1297Val (NM_001330579.2, NM_001406531.1, NM_001406532.1); c.4141C>G, p.Leu1381Val (NM_001406511.1, NM_001406512.1); c.4135C>G, p.Leu1379Val (NM_001406513.1); c.4108C>G, p.Leu1370Val (NM_001406514.1); c.4087C>G, p.Leu1363Val (NM_001406515.1, NM_001406516.1); and 21 more; short protein forms L1100V, L1154V, L1165V, L1174V, L1187V, L1217V, L1219V, L1232V.
Identifiers: ClinVar variation 1713373 (VCV001713373.5), dbSNP rs1956874443, ClinGen allele CA388019798.

ClinVar aggregate classification (germline): Uncertain significance (1 of 4 stars; one submission).

Conditions:
Wilson disease (WND). Also called: Wilson's disease. Identifiers: Orphanet 905, MedGen C0019202, MONDO:0010200, OMIM 277900. Disease mechanism: loss of function.

gnomAD v4.1: 1 of 1,614,008 alleles (0.000062%); highest among the groups gnomAD compares: Non-Finnish European, 0.000085%; no homozygotes.

Submission:

Labcorp Genetics (formerly Invitae), Labcorp
Classification: Uncertain significance for Wilson disease. Last evaluated: 2023-01-11. Review status: criteria provided, single submitter. Criteria: Invitae Variant Classification Sherloc (09022015). Collection method: clinical testing. Allele origin: germline.
Comment: In summary, the available evidence is currently insufficient to determine the role of this variant in disease. Therefore, it has been classified as a Variant of Uncertain Significance. Advanced modeling of protein sequence and biophysical properties (such as structural, functional, and spatial information, amino acid conservation, physicochemical variation, residue mobility, and thermodynamic stability) performed at Invitae indicates that this missense variant is not expected to disrupt ATP7B protein function. ClinVar contains an entry for this variant (Variation ID: 1713373). This variant has not been reported in the literature in individuals affected with ATP7B-related conditions. This variant is not present in population databases (gnomAD no frequency). This sequence change replaces leucine, which is neutral and non-polar, with valine, which is neutral and non-polar, at codon 1381 of the ATP7B protein (p.Leu1381Val).